The following is an entry in ClinVar:

ClinVar aggregate classification (germline): Uncertain significance (1 of 4 stars; one submission).

gnomAD v4.1: 2 of 1,588,290 alleles (0.00013%); highest among the groups gnomAD compares: South Asian, 0.0022%; no homozygotes.

Submission:

Labcorp Genetics (formerly Invitae), Labcorp
Classification: Uncertain significance. Last evaluated: 2025-05-12. Review status: criteria provided, single submitter. Criteria: Invitae Variant Classification Sherloc (09022015). Collection method: clinical testing. Allele origin: germline.
Comment: This sequence change replaces proline, which is neutral and non-polar, with threonine, which is neutral and polar, at codon 765 of the MSH3 protein (p.Pro765Thr). This variant is not present in population databases (gnomAD no frequency). This variant has not been reported in the literature in individuals affected with MSH3-related conditions. ClinVar contains an entry for this variant (Variation ID: 3644145). An algorithm developed to predict the effect of missense changes on protein structure and function (PolyPhen-2) suggests that this variant is likely to be disruptive. In summary, the available evidence is currently insufficient to determine the role of this variant in disease. Therefore, it has been classified as a Variant of Uncertain Significance.

NM_002439.5(MSH3):c.2293C>A (p.Pro765Thr)

Gene: MSH3 (mutS homolog 3; plus strand). Cytogenetic location: 5q14.1.
Variant type: single nucleotide variant.
Coding change: c.2293C>A on transcript NM_002439.5 (MANE Select); coding-DNA position 2293, C replaced by A.
Protein change: p.Pro765Thr; replaces proline 765 with threonine.
Molecular consequence: missense variant.
Genome position (GRCh38, 1-based): chr5:80,775,733, C>A. VCF-style: chr5-80775733-C-A. GRCh37 (hg19) VCF-style: chr5-80071552-C-A.
Other names: short protein forms P765T.
Identifiers: ClinVar variation 3644145 (VCV003644145.2).